The following is an entry in ClinVar:

NM_004562.3:c.(171+1_172-1)_(534+1_535_-1)del

Gene: PRKN (parkin RBR E3 ubiquitin protein ligase; minus strand).
Variant type: Deletion.
Other names: c.(171+1_172-1)_(534+1_535_-1)del (NM_004562.3).
Identifiers: ClinVar variation 3385385 (VCV003385385.2).

ClinVar aggregate classification (germline): Pathogenic (1 of 4 stars; one submission).

Conditions:
Autosomal recessive juvenile Parkinson disease 2. Also called: PARKINSON DISEASE, JUVENILE, AUTOSOMAL RECESSIVE; PRKN-Related Early-Onset Parkinson Disease; Parkinson disease, juvenile, type 2; Parkinson disease autosomal recessive, early onset; Juvenile parkinsonism; Parkinsonism, early onset, with diurnal fluctuation. Identifiers: Orphanet 2828, MedGen C1868675, MONDO:0010820, OMIM 600116.

Submission:

Institute of Human Genetics, University of Leipzig Medical Center
Classification: Pathogenic for Autosomal recessive juvenile Parkinson disease 2. Last evaluated: 2024-11-13. Review status: criteria provided, single submitter. Criteria: ACMG Guidelines, 2015. Collection method: clinical testing. Allele origin: unknown. Inheritance: Autosomal recessive inheritance. Affected: yes.
Comment: Criteria applied: PVS1_STR,PM3_STR,PM2